The following is an entry in ClinVar:

NM_000421.5(KRT10):c.470T>G (p.Leu157Arg)

Genes: KRT10-AS1 (KRT10 antisense RNA 1; plus strand), KRT10 (keratin 10; minus strand). Cytogenetic location: 17q21.2.
Variant type: single nucleotide variant.
Coding change: c.470T>G on transcript NM_000421.5 (MANE Select); coding-DNA position 470, T replaced by G.
Protein change: p.Leu157Arg; replaces leucine 157 with arginine.
Molecular consequence: missense variant.
Genome position (GRCh38, 1-based): chr17:40,822,116, A>C on the plus strand (T>G on the coding strand, the complement: KRT10 is on the minus strand). VCF-style: chr17-40822116-A-C. GRCh37 (hg19) VCF-style: chr17-38978368-A-C.
Other names: c.470T>G, p.Leu157Arg (NM_001379366.1); short protein forms L157R.
Identifiers: ClinVar variation 1705574 (VCV001705574.1), dbSNP rs2143150768, ClinGen allele CA399394751.
Genomic context (GRCh38, chr17:40,822,116, plus strand): 5'-TTGCCTTCCAGCTCATAGTTTGATTCTTCCAGAGCCCGAACTTTGTCCAAGTAGGAAGCC[A>C]GGCGGTCATTCAGATTCTGCATGGTTACTTTTTCATTTCCAGAGAGAAGGCCACCATCTC-3'
Protein context (NP_000412.4, residues 147-167): KVTMQNLNDR[Leu157Arg]ASYLDKVRAL

ClinVar aggregate classification (germline): Likely pathogenic (1 of 4 stars; one submission).

Conditions:
Annular epidermolytic ichthyosis. Identifiers: Orphanet 281139, MedGen C1843463, MONDO:0011870.

Submission:

3billion
Classification: Likely pathogenic for Ichthyosis, annular epidermolytic 1. Last evaluated: 2022-09-01. Review status: criteria provided, single submitter. Criteria: ACMG Guidelines, 2015. Collection method: clinical testing. Allele origin: germline. Affected: yes. Observed: 1 heterozygote.
Comment: The variant is not observed in the gnomAD v2.1.1 dataset. It is located in a mutational hot spot and/or well-established functional domain in which established pathogenic variants have been reported. In silico tool predictions suggest damaging effect of the variant on gene or gene product (REVEL: 0.95; 3Cnet: NA). A different missense change at the same codon (p.Leu157Pro) has been reported to be associated with KRT10-related disorder (ClinVar ID: VCV001299620/ PMID: 22035476). Therefore, this variant is classified as Likely pathogenic according to the recommendation of ACMG/AMP guideline.

Literature cited by the submitters: PubMed 22035476.